The following is an entry in ClinVar:

ClinVar aggregate classification (germline): Likely benign (1 of 4 stars; one submission).

gnomAD v4.1: 771 of 1,614,178 alleles (0.048%); highest among the groups gnomAD compares: South Asian, 0.54%; 10 homozygotes.

Submission:

CeGaT Center for Human Genetics Tuebingen
Classification: Likely benign. Last evaluated: 2025-06-01. Review status: criteria provided, single submitter. Criteria: CeGaT Center For Human Genetics Tuebingen Variant Classification Criteria Version 2. Collection method: clinical testing. Allele origin: germline. Affected: yes. Observed: 1 variant allele.
Comment: PTPN6: BP4, BP7

NM_002831.6(PTPN6):c.384C>T (p.Gly128=)

Genes: PTPN6 (protein tyrosine phosphatase non-receptor type 6; plus strand), LOC130007296 (ATAC-STARR-seq lymphoblastoid active region 5900; plus strand). Cytogenetic location: 12p13.31.
Variant type: single nucleotide variant.
Coding change: c.384C>T on transcript NM_002831.6 (MANE Select); coding-DNA position 384, C replaced by T.
Protein change: p.Gly128=; no amino-acid change (glycine 128 retained).
Molecular consequence: synonymous variant.
Genome position (GRCh38, 1-based): chr12:6,954,862, C>T. VCF-style: chr12-6954862-C-T. GRCh37 (hg19) VCF-style: chr12-7064025-C-T.
Other names: c.390C>T, p.Gly130= (NM_080548.5); c.384C>T, p.Gly128= (NM_080549.4).
Identifiers: ClinVar variation 3904878 (VCV003904878.10).